The following is an entry in ClinVar:

NM_004415.4(DSP):c.3870T>C (p.His1290=)

Gene: DSP (desmoplakin; plus strand). Cytogenetic location: 6p24.3.
Variant type: single nucleotide variant.
Coding change: c.3870T>C on transcript NM_004415.4 (MANE Select); coding-DNA position 3870, T replaced by C.
Protein change: p.His1290=; no amino-acid change (histidine 1290 retained).
Molecular consequence: synonymous variant. On other transcripts: intron variant (1).
Genome position (GRCh38, 1-based): chr6:7,580,060, T>C. VCF-style: chr6-7580060-T-C. GRCh37 (hg19) VCF-style: chr6-7580293-T-C.
Other names: c.3870T>C, p.His1290= (NM_001319034.2); c.3582+288T>C (NM_001008844.3).
Identifiers: ClinVar variation 1735715 (VCV001735715.6), dbSNP rs749737978, ClinGen allele CA039379.

ClinVar aggregate classification (germline): Benign/Likely benign. Review status: criteria provided, multiple submitters, no conflicts (2 of 4 stars). 3 submissions from 3 submitters: Benign (1); Likely benign (2). Last evaluated 2023-12-13.

Conditions:
Arrhythmogenic cardiomyopathy with wooly hair and keratoderma. Also called: Dilated cardiomyopathy with woolly hair and keratoderma; PALMOPLANTAR KERATODERMA WITH LEFT VENTRICULAR CARDIOMYOPATHY AND WOOLLY HAIR; Carvajal syndrome; Arrhythmogenic cardiomyopathy with woolly hair and keratoderma. Identifiers: Orphanet 65282, MedGen C1854063, MONDO:0011581, OMIM 605676.
Arrhythmogenic right ventricular dysplasia 8 (ARVD8). Also called: Arrhythmogenic Right Ventricular Dysplasia/Cardiomyopathy 8; ARRHYTHMOGENIC RIGHT VENTRICULAR DYSPLASIA, FAMILIAL, 8; ARRHYTHMOGENIC RIGHT VENTRICULAR CARDIOMYOPATHY 8. Identifiers: MedGen C1843896, MONDO:0011831, OMIM 607450.
Cardiovascular phenotype. Identifiers: MedGen CN230736.

Allele frequency attached by ClinVar (database versions not stated): ExAC 0.00001; gnomAD exomes 0.00001.
gnomAD v4.1: 4 of 1,613,712 alleles (0.00025%); highest among the groups gnomAD compares: East Asian, 0.0089%; no homozygotes.

Submissions (3):

All of Us Research Program, National Institutes of Health
Classification: Likely benign for Arrhythmogenic cardiomyopathy with wooly hair and keratoderma. Last evaluated: 2023-12-13. Review status: criteria provided, single submitter. Criteria: ACMG Guidelines, 2015. Collection method: clinical testing. Allele origin: germline. Inheritance: Autosomal dominant inheritance. Observed: 1 variant allele, 1 heterozygote.
Comment: This study involves interpretation of variants in research participants for the purpose of population health screening. Participant phenotype was not available at the time of variant classification. Additional details can be found in publication PMID: 35346344, PMCID: PMC8962531

Labcorp Genetics (formerly Invitae), Labcorp
Classification: Benign for Arrhythmogenic cardiomyopathy with wooly hair and keratoderma; Arrhythmogenic right ventricular dysplasia 8. Last evaluated: 2023-12-06. Review status: criteria provided, single submitter. Criteria: Invitae Variant Classification Sherloc (09022015). Collection method: clinical testing. Allele origin: germline.

Ambry Genetics
Classification: Likely benign for Cardiovascular phenotype. Last evaluated: 2020-06-26. Review status: criteria provided, single submitter. Criteria: Ambry Variant Classification Scheme 2023. Collection method: clinical testing. Allele origin: germline.